The following is an entry in ClinVar:

NM_000078.3(CETP):c.68C>T (p.Ser23Leu)

Gene: CETP (cholesteryl ester transfer protein; plus strand). Cytogenetic location: 16q13.
Variant type: single nucleotide variant.
Coding change: c.68C>T on transcript NM_000078.3 (MANE Select); coding-DNA position 68, C replaced by T.
Protein change: p.Ser23Leu; replaces serine 23 with leucine.
Molecular consequence: missense variant.
Genome position (GRCh38, 1-based): chr16:56,962,047, C>T. VCF-style: chr16-56962047-C-T. GRCh37 (hg19) VCF-style: chr16-56995959-C-T.
Other names: c.68C>T, p.Ser23Leu (NM_001286085.2); short protein forms S23L.
Identifiers: ClinVar variation 3019180 (VCV003019180.3), dbSNP rs574035014, ClinGen allele CA8070737.

ClinVar aggregate classification (germline): Uncertain significance (1 of 4 stars; one submission).

Allele frequency attached by ClinVar (database versions not stated): gnomAD exomes 0.00001; gnomAD 0.00002; TOPMed 0.00002; ExAC 0.00003; 1000 Genomes Project 0.00020; 1000 Genomes Project 30x 0.00031.
gnomAD v4.1: 16 of 1,614,146 alleles (0.00099%); highest among the groups gnomAD compares: East Asian, 0.0045%; no homozygotes.

Submission:

Labcorp Genetics (formerly Invitae), Labcorp
Classification: Uncertain significance. Last evaluated: 2025-01-21. Review status: criteria provided, single submitter. Criteria: Invitae Variant Classification Sherloc (09022015). Collection method: clinical testing. Allele origin: germline.
Comment: This sequence change replaces serine, which is neutral and polar, with leucine, which is neutral and non-polar, at codon 23 of the CETP protein (p.Ser23Leu). This variant is present in population databases (rs574035014, gnomAD 0.006%). This variant has not been reported in the literature in individuals affected with CETP-related conditions. ClinVar contains an entry for this variant (Variation ID: 3019180). Invitae Evidence Modeling of protein sequence and biophysical properties (such as structural, functional, and spatial information, amino acid conservation, physicochemical variation, residue mobility, and thermodynamic stability) indicates that this missense variant is not expected to disrupt CETP protein function with a negative predictive value of 80%. In summary, the available evidence is currently insufficient to determine the role of this variant in disease. Therefore, it has been classified as a Variant of Uncertain Significance.